The following is an entry in ClinVar:

NM_006231.4(POLE):c.3379-23G>A

Gene: POLE (DNA polymerase epsilon, catalytic subunit; minus strand). Cytogenetic location: 12q24.33.
Variant type: single nucleotide variant.
Coding change: c.3379-23G>A on transcript NM_006231.4 (MANE Select); 23 bases into the intron before coding-DNA position 3379, G replaced by A.
Molecular consequence: intron variant.
Genome position (GRCh38, 1-based): chr12:132,657,452, C>T on the plus strand (G>A on the coding strand, the complement: POLE is on the minus strand). VCF-style: chr12-132657452-C-T. GRCh37 (hg19) VCF-style: chr12-133234038-C-T.
Identifiers: ClinVar variation 4539341 (VCV004539341.1).

ClinVar aggregate classification (germline): Likely benign (1 of 4 stars; one submission).

gnomAD v4.1: 56 of 1,606,844 alleles (0.0035%); highest among the groups gnomAD compares: Middle Eastern, 0.35%; 1 homozygote.

Submission:

Center for Genomic Medicine, Rigshospitalet, Copenhagen University Hospital
Classification: Likely benign. Last evaluated: 2025-12-29. Review status: criteria provided, single submitter. Criteria: ACMG Guidelines, 2015. Collection method: clinical testing. Allele origin: germline.
Comment: Classification criteria: BP4